The following is an entry in ClinVar:

NM_001129.5(AEBP1):c.1596C>T (p.Cys532=)

Gene: AEBP1 (AE binding protein 1; plus strand). Cytogenetic location: 7p13.
Variant type: single nucleotide variant.
Coding change: c.1596C>T on transcript NM_001129.5 (MANE Select); coding-DNA position 1596, C replaced by T.
Protein change: p.Cys532=; no amino-acid change (cysteine 532 retained).
Molecular consequence: synonymous variant.
Genome position (GRCh38, 1-based): chr7:44,111,023, C>T. VCF-style: chr7-44111023-C-T. GRCh37 (hg19) VCF-style: chr7-44150622-C-T.
Identifiers: ClinVar variation 2107159 (VCV002107159.4), dbSNP rs2484352493, ClinGen allele CA454861782.

ClinVar aggregate classification (germline): Uncertain significance (1 of 4 stars; one submission).

Submission:

Labcorp Genetics (formerly Invitae), Labcorp
Classification: Uncertain significance. Last evaluated: 2022-05-25. Review status: criteria provided, single submitter. Criteria: Invitae Variant Classification Sherloc (09022015). Collection method: clinical testing. Allele origin: germline.
Comment: This sequence change affects codon 532 of the AEBP1 mRNA. It is a 'silent' change, meaning that it does not change the encoded amino acid sequence of the AEBP1 protein. In summary, the available evidence is currently insufficient to determine the role of this variant in disease. Therefore, it has been classified as a Variant of Uncertain Significance. Algorithms developed to predict the effect of sequence changes on RNA splicing suggest that this variant may create or strengthen a splice site. This variant has not been reported in the literature in individuals affected with AEBP1-related conditions. This variant is not present in population databases (gnomAD no frequency).